The following is an entry in ClinVar:

ClinVar aggregate classification (germline): Pathogenic (1 of 4 stars; one submission).

Conditions:
Glutaric aciduria, type 1. Also called: Glutaricacidemia Type 1; Glutaricaciduria, type I; Glutaric Acidemia Type 1; Glutaryl-CoA dehydrogenase deficiency; Glutaric acidemia type I; GA I. Identifiers: Orphanet 25, MedGen C0268595, MONDO:0009281, OMIM 231670.

Submission:

Labcorp Genetics (formerly Invitae), Labcorp
Classification: Pathogenic for Glutaric aciduria, type 1. Last evaluated: 2023-01-28. Review status: criteria provided, single submitter. Criteria: Invitae Variant Classification Sherloc (09022015). Collection method: clinical testing. Allele origin: germline.
Comment: This sequence change replaces glycine, which is neutral and non-polar, with glutamic acid, which is acidic and polar, at codon 185 of the GCDH protein (p.Gly185Glu). This variant is not present in population databases (gnomAD no frequency). This missense change has been observed in individual(s) with glutaric acidemia type I (PMID: 31737040, 34306040). Advanced modeling of protein sequence and biophysical properties (such as structural, functional, and spatial information, amino acid conservation, physicochemical variation, residue mobility, and thermodynamic stability) performed at Invitae indicates that this missense variant is expected to disrupt GCDH protein function. This variant disrupts the p.Gly185 amino acid residue in GCDH. Other variant(s) that disrupt this residue have been determined to be pathogenic (PMID: 24332224, 29292490, 29665094). This suggests that this residue is clinically significant, and that variants that disrupt this residue are likely to be disease-causing. For these reasons, this variant has been classified as Pathogenic.

Literature cited by the submitters: PubMed 31737040; PubMed 34306040; PubMed 24332224; PubMed 29292490; PubMed 29665094.

NM_000159.4(GCDH):c.554G>A (p.Gly185Glu)

Gene: GCDH (glutaryl-CoA dehydrogenase; plus strand). Cytogenetic location: 19p13.13.
Variant type: single nucleotide variant.
Coding change: c.554G>A on transcript NM_000159.4 (MANE Select); coding-DNA position 554, G replaced by A.
Protein change: p.Gly185Glu; replaces glycine 185 with glutamic acid.
Molecular consequence: missense variant. On other transcripts: non-coding transcript variant (2).
Genome position (GRCh38, 1-based): chr19:12,896,040, G>A. VCF-style: chr19-12896040-G-A. GRCh37 (hg19) VCF-style: chr19-13006854-G-A.
Other names: c.554G>A, p.Gly185Glu (NM_013976.5); short protein forms G185E.
Identifiers: ClinVar variation 2972904 (VCV002972904.3), dbSNP rs2512572818, ClinGen allele CA404318065.